The following is an entry in ClinVar:

ClinVar aggregate classification (germline): Uncertain significance (1 of 4 stars; one submission).

Conditions:
Xeroderma pigmentosum, group F (XPF). Also called: XERODERMA PIGMENTOSUM, COMPLEMENTATION GROUP F; XERODERMA PIGMENTOSUM VI; XP, GROUP F; ERCC4-Related Xeroderma Pigmentosum; XERODERMA PIGMENTOSUM, TYPE F; Xeroderma pigmentosum, type 6. Identifiers: MedGen C0268140, MONDO:0010215, OMIM 278760.
Fanconi anemia complementation group Q. Identifiers: Orphanet 84, MedGen C3808988, MONDO:0014108, OMIM 615272.
Cockayne syndrome. Identifiers: Orphanet 191, MedGen C0009207, MONDO:0016006.

Allele frequency attached by ClinVar (database versions not stated): gnomAD exomes 0.00001; TOPMed 0.00001; gnomAD 0.00003.
gnomAD v4.1: 19 of 1,613,654 alleles (0.0012%); highest among the groups gnomAD compares: Non-Finnish European, 0.0016%; no homozygotes.

Submission:

Labcorp Genetics (formerly Invitae), Labcorp
Classification: Uncertain significance for Fanconi anemia complementation group Q; Xeroderma pigmentosum, group F; Cockayne syndrome. Last evaluated: 2023-09-26. Review status: criteria provided, single submitter. Criteria: Invitae Variant Classification Sherloc (09022015). Collection method: clinical testing. Allele origin: germline.
Comment: This sequence change replaces leucine, which is neutral and non-polar, with proline, which is neutral and non-polar, at codon 270 of the ERCC4 protein (p.Leu270Pro). This variant is present in population databases (no rsID available, gnomAD 0.002%). This variant has not been reported in the literature in individuals affected with ERCC4-related conditions. ClinVar contains an entry for this variant (Variation ID: 966101). Advanced modeling of protein sequence and biophysical properties (such as structural, functional, and spatial information, amino acid conservation, physicochemical variation, residue mobility, and thermodynamic stability) performed at Invitae indicates that this missense variant is expected to disrupt ERCC4 protein function. In summary, the available evidence is currently insufficient to determine the role of this variant in disease. Therefore, it has been classified as a Variant of Uncertain Significance.

NM_005236.3(ERCC4):c.809T>C (p.Leu270Pro)

Gene: ERCC4 (ERCC excision repair 4, endonuclease catalytic subunit; plus strand). Cytogenetic location: 16p13.12.
Variant type: single nucleotide variant.
Coding change: c.809T>C on transcript NM_005236.3 (MANE Select); coding-DNA position 809, T replaced by C.
Protein change: p.Leu270Pro; replaces leucine 270 with proline.
Molecular consequence: missense variant.
Genome position (GRCh38, 1-based): chr16:13,930,726, T>C. VCF-style: chr16-13930726-T-C. GRCh37 (hg19) VCF-style: chr16-14024583-T-C.
Other names: short protein forms L270P.
Identifiers: ClinVar variation 966101 (VCV000966101.9), dbSNP rs1457864707, ClinGen allele CA394803803.
Genomic context (GRCh38, chr16:13,930,726, plus strand): 5'-TACTTAACATATTTTAGCAATACCAAATTTTATTCTTGTTTTAGACAATCCGCCATTATC[T>C]GGATCCTTTGTGGCACCAGCTTGGAGCCAAGACTAAATCCTTAGTTCAGGATTTGAAGAT-3'
Protein context (NP_005227.1, residues 260-280): KPFDKTIRHY[Leu270Pro]DPLWHQLGAK